The following is an entry in ClinVar:

ClinVar aggregate classification (germline): Uncertain significance. Review status: criteria provided, multiple submitters, no conflicts (2 of 4 stars). 2 submissions from 2 submitters: Uncertain significance (2). Last evaluated 2025-12-10.

Conditions:
Inborn genetic diseases. Identifiers: MedGen C0950123, MeSH D030342.

gnomAD v4.1: 4 of 1,613,482 alleles (0.00025%); highest among the groups gnomAD compares: South Asian, 0.0033%; no homozygotes.

Submissions (2):

Labcorp Genetics (formerly Invitae), Labcorp
Classification: Uncertain significance. Last evaluated: 2025-12-10. Review status: criteria provided, single submitter. Criteria: Invitae Variant Classification Sherloc (09022015). Collection method: clinical testing. Allele origin: germline.
Comment: This sequence change replaces serine, which is neutral and polar, with threonine, which is neutral and polar, at codon 1321 of the SAMD9 protein (p.Ser1321Thr). This variant is present in population databases (rs768062562, gnomAD 0.006%). This variant has not been reported in the literature in individuals affected with SAMD9-related conditions. ClinVar contains an entry for this variant (Variation ID: 3949565). Invitae Evidence Modeling of protein sequence and biophysical properties (such as structural, functional, and spatial information, amino acid conservation, physicochemical variation, residue mobility, and thermodynamic stability) indicates that this missense variant is not expected to disrupt SAMD9 protein function with a negative predictive value of 95%. In summary, the available evidence is currently insufficient to determine the role of this variant in disease. Therefore, it has been classified as a Variant of Uncertain Significance.

Ambry Genetics
Classification: Uncertain significance for Inborn genetic diseases. Last evaluated: 2025-04-18. Review status: criteria provided, single submitter. Criteria: Ambry Variant Classification Scheme 2023. Collection method: clinical testing. Allele origin: germline.
Comment: The p.S1321T variant (also known as c.3961T>A), located in coding exon 1 of the SAMD9 gene, results from a T to A substitution at nucleotide position 3961. The serine at codon 1321 is replaced by threonine, an amino acid with similar properties. This amino acid position is conserved. In addition, this alteration is predicted to be tolerated by in silico analysis. Based on the available evidence, the clinical significance of this variant remains unclear.

NM_017654.4(SAMD9):c.3961T>A (p.Ser1321Thr)

Gene: SAMD9 (sterile alpha motif domain containing 9; minus strand). Cytogenetic location: 7q21.2.
Variant type: single nucleotide variant.
Coding change: c.3961T>A on transcript NM_017654.4 (MANE Select); coding-DNA position 3961, T replaced by A.
Protein change: p.Ser1321Thr; replaces serine 1321 with threonine.
Molecular consequence: missense variant.
Genome position (GRCh38, 1-based): chr7:93,102,137, A>T on the plus strand (T>A on the coding strand, the complement: SAMD9 is on the minus strand). VCF-style: chr7-93102137-A-T. GRCh37 (hg19) VCF-style: chr7-92731450-A-T.
Other names: c.3961T>A, p.Ser1321Thr (NM_001193307.2); short protein forms S1321T.
Identifiers: ClinVar variation 3949565 (VCV003949565.2).
Genomic context (GRCh38, chr7:93,102,137, plus strand): 5'-CTTTTAAAGCTACTAGGTTTCTCCTGCATCTCTCTACTTGAAGTGGCTCACTGAACTTTG[A>T]TCCAAGACCTGTGTTGTTTTGTGATTCTTCTAAGAGACAAAATATATCTACATATTTCTT-3'
Protein context (NP_060124.2, residues 1311-1331): EESQNNTGLG[Ser1321Thr]KFSEPLQVER